The following is an entry in ClinVar:

NM_020806.5(GPHN):c.1805T>G (p.Ile602Ser)

Gene: GPHN (gephyrin; plus strand). Cytogenetic location: 14q23.3.
Variant type: single nucleotide variant.
Coding change: c.1805T>G on transcript NM_020806.5 (MANE Select); coding-DNA position 1805, T replaced by G.
Protein change: p.Ile602Ser; replaces isoleucine 602 with serine.
Molecular consequence: missense variant.
Genome position (GRCh38, 1-based): chr14:67,143,418, T>G. VCF-style: chr14-67143418-T-G. GRCh37 (hg19) VCF-style: chr14-67610135-T-G.
Other names: c.1706T>G, p.Ile569Ser (NM_001024218.2); c.1865T>G, p.Ile622Ser (NM_001377514.1); c.1835T>G, p.Ile612Ser (NM_001377515.1); c.1826T>G, p.Ile609Ser (NM_001377516.1); c.1778T>G, p.Ile593Ser (NM_001377517.1); c.1763T>G, p.Ile588Ser (NM_001377518.1); c.1745T>G, p.Ile582Ser (NM_001377519.1); short protein forms I582S, I602S, I569S, I588S, I593S, I612S, I609S, I622S.
Identifiers: ClinVar variation 2756310 (VCV002756310.3), dbSNP rs1567398072, ClinGen allele CA390259615.

ClinVar aggregate classification (germline): Uncertain significance (1 of 4 stars; one submission).

Conditions:
Sulfite oxidase deficiency due to molybdenum cofactor deficiency type C. Also called: Molybdenum cofactor deficiency, complementation group C; Molybdenum cofactor deficiency C. Identifiers: Orphanet 308400, Orphanet 833, MedGen C1854990, MONDO:0014212, OMIM 615501.

Submission:

Labcorp Genetics (formerly Invitae), Labcorp
Classification: Uncertain significance for Sulfite oxidase deficiency due to molybdenum cofactor deficiency type C. Last evaluated: 2023-08-30. Review status: criteria provided, single submitter. Criteria: Invitae Variant Classification Sherloc (09022015). Collection method: clinical testing. Allele origin: germline.
Comment: This sequence change replaces isoleucine, which is neutral and non-polar, with serine, which is neutral and polar, at codon 602 of the GPHN protein (p.Ile602Ser). This variant is not present in population databases (gnomAD no frequency). This variant has not been reported in the literature in individuals affected with GPHN-related conditions. Advanced modeling of protein sequence and biophysical properties (such as structural, functional, and spatial information, amino acid conservation, physicochemical variation, residue mobility, and thermodynamic stability) performed at Invitae indicates that this missense variant is expected to disrupt GPHN protein function. In summary, the available evidence is currently insufficient to determine the role of this variant in disease. Therefore, it has been classified as a Variant of Uncertain Significance.